The following is an entry in ClinVar:

NM_001384125.1(BLTP1):c.5873G>A (p.Arg1958Gln)

Gene: BLTP1 (bridge-like lipid transfer protein family member 1; plus strand). Cytogenetic location: 4q27.
Variant type: single nucleotide variant.
Coding change: c.5873G>A on transcript NM_001384125.1 (MANE Select); coding-DNA position 5873, G replaced by A.
Protein change: p.Arg1958Gln; replaces arginine 1958 with glutamine.
Molecular consequence: missense variant.
Genome position (GRCh38, 1-based): chr4:122,250,524, G>A. VCF-style: chr4-122250524-G-A. GRCh37 (hg19) VCF-style: chr4-123171679-G-A.
Other names: c.5873G>A, p.Arg1958Gln (NM_015312.4); c.5873G>A (NM_015312.3); short protein forms R1958Q.
Identifiers: ClinVar variation 4814172 (VCV004814172.2).

ClinVar aggregate classification (germline): Conflicting classifications of pathogenicity. Review status: criteria provided, conflicting classifications (1 of 4 stars). 2 submissions from 2 submitters: Uncertain significance (1); Likely benign (1). Last evaluated 2026-03-05.

Conditions:
BLTP1-related disorder. Also called: BLTP1-related condition.
Alkuraya-Kucinskas syndrome. Identifiers: Orphanet 610569, MedGen C4693347, MONDO:0060631, OMIM 617822.

gnomAD v4.1: 9 of 1,613,600 alleles (0.00056%); highest among the groups gnomAD compares: South Asian, 0.0022%; no homozygotes.

Submissions (2):

Centre for Medical Genetics,  Mumbai
Classification: Likely benign for Alkuraya-Kucinskas syndrome. Last evaluated: 2026-03-05. Review status: criteria provided, single submitter. Criteria: ACMG Guidelines, 2015. Collection method: provider interpretation. Allele origin: germline. Inheritance: Autosomal recessive inheritance. Affected: no. Observed: 1 variant allele, 1 homozygote.
Comment: The variant satisfies PM2 criteria; Extremely low frequency in gnomAD population databases. The variant satisfies PP2 criteria; Missense variant in a gene with low rate of benign missense mutations and for which missense mutation is a common mechanism of a disease. The variant satisfies BP4 criteria; For a missense or a splice region variant, computational prediction tools unanimously support a benign effect on the gene. However, the variant satisfies BS2 criteria; present in homozygous state in an individual that clinically does not have Alkuraya-Kucinskas syndrome.

PreventionGenetics, part of Exact Sciences
Classification: Uncertain significance for BLTP1-related condition. Last evaluated: 2025-11-10. Review status: criteria provided, single submitter. Criteria: ACMG Guidelines, 2015. Collection method: clinical testing. Allele origin: germline.
Comment: The BLTP1 c.5873G>A variant is predicted to result in the amino acid substitution p.Arg1958Gln. This variant has been reported as de novo, along with a second variant in the same gene, in a compound heterozygous state in an individual with Alkuraya-Kučinskas syndrome (Gueneau et al., 2018; PMID: 29290337). Additionally, this variant has been reported to occur de novo in an individual with a neurodevelopmental disorders from a large cohort study (Table S1, Kaplanis et al. 2020. PubMed ID: 33057194; Table S2, Turner et al. 2019; PMID: 31785789; Table S1, McRae et al. 2017. PubMed ID: 28135719; See Supplementary Data 3, Zhou et al. 2022; PMID: 35982159). It is reported in 0.0093% of alleles in individuals of European (Finnish) descent in gnomAD. Although we suspect that this variant may be pathogenic, at this time, the clinical significance of this variant is uncertain due to the absence of conclusive functional and genetic evidence.

Literature cited by the submitters: PubMed 25558065 (cited by Centre for Medical Genetics,  Mumbai).